The following is an entry in ClinVar:

ClinVar aggregate classification (germline): Uncertain significance (1 of 4 stars; one submission).

Submission:

Labcorp Genetics (formerly Invitae), Labcorp
Classification: Uncertain significance. Last evaluated: 2024-06-12. Review status: criteria provided, single submitter. Criteria: Invitae Variant Classification Sherloc (09022015). Collection method: clinical testing. Allele origin: germline.
Comment: This variant, c.6484_6498del, results in the deletion of 5 amino acid(s) of the CACNA1E protein (p.Ala2162_Glu2166del), but otherwise preserves the integrity of the reading frame. This variant is not present in population databases (gnomAD no frequency). This variant has not been reported in the literature in individuals affected with CACNA1E-related conditions. Experimental studies and prediction algorithms are not available or were not evaluated, and the functional significance of this variant is currently unknown. In summary, the available evidence is currently insufficient to determine the role of this variant in disease. Therefore, it has been classified as a Variant of Uncertain Significance.

NM_001205293.3(CACNA1E):c.6613_6627del (p.Ala2205_Glu2209del)

Gene: CACNA1E (calcium voltage-gated channel subunit alpha1 E; plus strand). Cytogenetic location: 1q25.3.
Variant type: Deletion.
Coding change: c.6613_6627del on transcript NM_001205293.3 (MANE Select); coding-DNA positions 6613 to 6627, 15 bases deleted (GCTTGCCTGACCGAG).
Protein change: p.Ala2205_Glu2209del.
Genome position (GRCh38, 1-based): chr1:181,798,505-181,798,519, GCTTGCCTGACCGAG deleted. VCF-style (leftmost placement, unchanged base first): chr1-181798504-TGCTTGCCTGACCGAG-T. GRCh37 (hg19) VCF-style: chr1-181767640-TGCTTGCCTGACCGAG-T.
Other names: c.6484_6498del, p.Ala2162_Glu2166del (NM_000721.4); c.6427_6441del, p.Ala2143_Glu2147del (NM_001205294.2).
Identifiers: ClinVar variation 3656392 (VCV003656392.2).